The following is an entry in ClinVar:

ClinVar aggregate classification (germline): Uncertain significance (1 of 4 stars; one submission).

Submission:

GeneDx
Classification: Uncertain significance. Last evaluated: 2019-10-29. Review status: criteria provided, single submitter. Criteria: GeneDx Variant Classification Process June 2021. Collection method: clinical testing. Allele origin: germline. Affected: yes.
Comment: Has not been previously published as pathogenic or benign to our knowledge; Not observed in large population cohorts (Lek et al., 2016); In silico analysis, which includes protein predictors and evolutionary conservation, supports that this variant does not alter protein structure/function

NM_001374828.1(ARID1B):c.2807G>C (p.Ser936Thr)

Gene: ARID1B (AT-rich interaction domain 1B; plus strand). Cytogenetic location: 6q25.3.
Variant type: single nucleotide variant.
Coding change: c.2807G>C on transcript NM_001374828.1 (MANE Select); coding-DNA position 2807, G replaced by C.
Protein change: p.Ser936Thr; replaces serine 936 with threonine.
Molecular consequence: missense variant.
Genome position (GRCh38, 1-based): chr6:157,148,669, G>C. VCF-style: chr6-157148669-G-C. GRCh37 (hg19) VCF-style: chr6-157469803-G-C.
Other names: c.2597G>C (NM_020732.3); c.308G>C, p.Ser103Thr (NM_001363725.2); c.2846G>C, p.Ser949Thr (NM_001371656.1, NM_001374820.1); c.2807G>C, p.Ser936Thr (NM_017519.3); short protein forms S103T, S936T, S949T.
Identifiers: ClinVar variation 1309359 (VCV001309359.2), dbSNP rs2128634027, ClinGen allele CA366388699.
Genomic context (GRCh38, chr6:157,148,669, plus strand): 5'-TTGCTTTTTGTTTAGGTAACTACTCCAGACCCCCAGCGTATAGTGGGGTGCCCAGTGCAA[G>C]CTACAGCGGCCCAGGGCCCGGTATGGGTATCAGTGCCAACAACCAGATGCATGGACAAGG-3'
Protein context (NP_001361757.1, residues 926-946): PPAYSGVPSA[Ser936Thr]YSGPGPGMGI